The following is an entry in ClinVar:

ClinVar aggregate classification (germline): Pathogenic (1 of 4 stars; one submission).

Conditions:
Hereditary breast ovarian cancer syndrome. Also called: Hereditary breast and ovarian cancer syndrome (HBOC); BRCA1- and BRCA2-Associated Hereditary Breast and Ovarian Cancer; Hereditary breast and ovarian cancer syndrome; Breast and ovarian cancer; Hereditary breast and ovarian cancer; Hereditary breast and/or ovarian cancer syndrome. Identifiers: Orphanet 145, MedGen C0677776, MeSH D061325, MONDO:0003582. Disease mechanism: loss of function.

Submission:

Labcorp Genetics (formerly Invitae), Labcorp
Classification: Pathogenic for Hereditary breast ovarian cancer syndrome. Last evaluated: 2021-10-27. Review status: criteria provided, single submitter. Criteria: Invitae Variant Classification Sherloc (09022015). Collection method: clinical testing. Allele origin: germline.
Comment: This variant has not been reported in the literature in individuals affected with BRCA2-related conditions. This variant is not present in population databases (gnomAD no frequency). This sequence change creates a premature translational stop signal (p.Gly1303Alafs*32) in the BRCA2 gene. It is expected to result in an absent or disrupted protein product. Loss-of-function variants in BRCA2 are known to be pathogenic (PMID: 20104584). For these reasons, this variant has been classified as Pathogenic. ClinVar contains an entry for this variant (Variation ID: 531440).

Literature cited by the submitters: PubMed 20104584.

NM_000059.4(BRCA2):c.3906del (p.Gly1303fs)

Gene: BRCA2 (BRCA2 DNA repair associated; plus strand). Cytogenetic location: 13q13.1.
Variant type: Deletion.
Coding change: c.3906del on transcript NM_000059.4 (MANE Select); coding-DNA position 3906, one base deleted (T; older notation c.3906delT).
Protein change: p.Gly1303fs; shifts the reading frame from glycine 1303.
Molecular consequence: frameshift variant.
Genome position (GRCh38, 1-based): chr13:32,338,261, T deleted. VCF-style (leftmost placement, unchanged base first): chr13-32338260-CT-C. GRCh37 (hg19) VCF-style: chr13-32912397-CT-C.
Other names: c.3906delT (NM_000059.3); short protein forms G1303fs.
Identifiers: ClinVar variation 531440 (VCV000531440.7), dbSNP rs1555283468, ClinGen allele CA658798133.